The following is an entry in ClinVar:

NM_004667.6(HERC2):c.5961C>T (p.Ser1987=)

Gene: HERC2 (HECT and RLD domain containing E3 ubiquitin protein ligase 2; minus strand). Cytogenetic location: 15q13.1.
Variant type: single nucleotide variant.
Coding change: c.5961C>T on transcript NM_004667.6 (MANE Select); coding-DNA position 5961, C replaced by T.
Protein change: p.Ser1987=; no amino-acid change (serine 1987 retained).
Molecular consequence: synonymous variant.
Genome position (GRCh38, 1-based): chr15:28,218,556, G>A on the plus strand (C>T on the coding strand, the complement: HERC2 is on the minus strand). VCF-style: chr15-28218556-G-A. GRCh37 (hg19) VCF-style: chr15-28463702-G-A.
Identifiers: ClinVar variation 2645070 (VCV002645070.25), dbSNP rs376023743, ClinGen allele CA7442210.

ClinVar aggregate classification (germline): Likely benign. Review status: criteria provided, multiple submitters, no conflicts (2 of 4 stars). 2 submissions from 2 submitters: Likely benign (2). Last evaluated 2026-09-01.

Allele frequency attached by ClinVar (database versions not stated): ExAC 0.00003; gnomAD exomes 0.00003; TOPMed 0.00005; gnomAD 0.00006.
gnomAD v4.1: 56 of 1,597,796 alleles (0.0035%); highest among the groups gnomAD compares: Middle Eastern, 0.068%; no homozygotes.

Submissions (2):

CeGaT Center for Human Genetics Tuebingen
Classification: Likely benign. Last evaluated: 2026-09-01. Review status: criteria provided, single submitter. Criteria: CeGaT Center For Human Genetics Tuebingen Variant Classification Criteria Version 2. Collection method: clinical testing. Allele origin: germline. Affected: yes. Observed: 3 variant alleles.
Comment: HERC2: BP4, BP7

Blueprint Genetics
Classification: Likely benign. Last evaluated: 2024-06-10. Review status: criteria provided, single submitter. Criteria: ACMG Guidelines, 2015. Collection method: clinical testing. Allele origin: germline.